The following is an entry in ClinVar:

NC_012920.1(MT-TN):m.5711A>G

Gene: MT-TN (mitochondrially encoded tRNA asparagine; minus strand).
Variant type: single nucleotide variant.
Genome position: chrM-5711-A-G.
Identifiers: ClinVar variation 689979 (VCV000689979.1), dbSNP rs2854138, ClinGen allele CA337097225.

ClinVar aggregate classification (germline): Benign (1 of 4 stars; one submission).

Conditions:
MELAS syndrome (MELAS). Also called: Juvenile myopathy, encephalopathy, lactic acidosis, stroke. Identifiers: Orphanet 550, MedGen C0162671, MONDO:0010789, OMIM 540000.

Submission:

Wong Mito Lab, Molecular and Human Genetics, Baylor College of Medicine
Classification: Benign for MELAS syndrome. Last evaluated: 2019-07-12. Review status: criteria provided, single submitter. Criteria: Modified ACMG Guidelines (Unpublished). Collection method: clinical testing. Allele origin: germline.
Comment: The NC_012920.1:m.5711A>G variant in MT-TN gene is interpreted to be a Benign variant based on the modified ACMG guidelines (unpublished). This variant meets the following evidence codes reported in the guidelines: BS1, BS2, BP4

Literature cited by the submitters: PubMed 31965079.